The following is an entry in ClinVar:

NM_000391.4(TPP1):c.1034T>G (p.Met345Arg)

Gene: TPP1 (tripeptidyl peptidase 1; minus strand). Cytogenetic location: 11p15.4.
Variant type: single nucleotide variant.
Coding change: c.1034T>G on transcript NM_000391.4 (MANE Select); coding-DNA position 1034, T replaced by G.
Protein change: p.Met345Arg; replaces methionine 345 with arginine.
Molecular consequence: missense variant.
Genome position (GRCh38, 1-based): chr11:6,616,356, A>C on the plus strand (T>G on the coding strand, the complement: TPP1 is on the minus strand). VCF-style: chr11-6616356-A-C. GRCh37 (hg19) VCF-style: chr11-6637587-A-C.
Other names: short protein forms M345R.
Identifiers: ClinVar variation 960590 (VCV000960590.9), dbSNP rs764077257, ClinGen allele CA379474118.

ClinVar aggregate classification (germline): Uncertain significance (1 of 4 stars; one submission).

Submission:

Labcorp Genetics (formerly Invitae), Labcorp
Classification: Uncertain significance. Last evaluated: 2020-01-18. Review status: criteria provided, single submitter. Criteria: Invitae Variant Classification Sherloc (09022015). Collection method: clinical testing. Allele origin: germline.
Comment: In summary, the available evidence is currently insufficient to determine the role of this variant in disease. Therefore, it has been classified as a Variant of Uncertain Significance. Algorithms developed to predict the effect of missense changes on protein structure and function are either unavailable or do not agree on the potential impact of this missense change (SIFT: "Deleterious"; PolyPhen-2: "Probably Damaging"; Align-GVGD: "Class C0"). This variant has not been reported in the literature in individuals with TPP1-related conditions. This variant is not present in population databases (ExAC no frequency). This sequence change replaces methionine with arginine at codon 345 of the TPP1 protein (p.Met345Arg). The methionine residue is highly conserved and there is a moderate physicochemical difference between methionine and arginine.